The following is an entry in ClinVar:

NM_000350.3(ABCA4):c.4964C>T (p.Thr1655Ile)

Genes: ABCA4 (ATP binding cassette subfamily A member 4; minus strand), LOC126805793 (CDK7 strongly-dependent group 2 enhancer GRCh37_chr1:94486302-94487501; plus strand). Cytogenetic location: 1p22.1.
Variant type: single nucleotide variant.
Coding change: c.4964C>T on transcript NM_000350.3 (MANE Select); coding-DNA position 4964, C replaced by T.
Protein change: p.Thr1655Ile; replaces threonine 1655 with isoleucine.
Molecular consequence: missense variant.
Genome position (GRCh38, 1-based): chr1:94,021,294, G>A on the plus strand (C>T on the coding strand, the complement: ABCA4 is on the minus strand). VCF-style: chr1-94021294-G-A. GRCh37 (hg19) VCF-style: chr1-94486850-G-A.
Other names: c.4742C>T, p.Thr1581Ile (NM_001425324.1); short protein forms T1581I, T1655I.
Identifiers: ClinVar variation 3385161 (VCV003385161.1).

ClinVar aggregate classification (germline): Uncertain significance (1 of 4 stars; one submission).

gnomAD v4.1: 1 of 1,614,218 alleles (0.000062%); highest among the groups gnomAD compares: South Asian, 0.0011%; no homozygotes.

Submission:

Women's Health and Genetics/Laboratory Corporation of America, LabCorp
Classification: Uncertain significance. Last evaluated: 2024-10-21. Review status: criteria provided, single submitter. Criteria: LabCorp Variant Classification Summary - May 2015. Collection method: clinical testing. Allele origin: germline.
Comment: Variant summary: ABCA4 c.4964C>T (p.Thr1655Ile) results in a non-conservative amino acid change located in the ABC-2 type transporter, transmembrane domain (IPR013525) of the encoded protein sequence. Five of five in-silico tools predict a damaging effect of the variant on protein function. The variant was absent in 251456 control chromosomes (gnomAD). The available data on variant occurrences in the general population are insufficient to allow any conclusion about variant significance. c.4964C>T has been reported in the literature in at least an individual affected with Stargardt disease (example: Khan_2020). These data do not allow any conclusion about variant significance. To our knowledge, no experimental evidence demonstrating an impact on protein function has been reported. The following publication has been ascertained in the context of this evaluation (PMID: 32307445). No submitters have cited clinical-significance assessments for this variant to ClinVar. Based on the evidence outlined above, the variant was classified as uncertain significance.

Literature cited by the submitters: PubMed 32307445.